The following is an entry in ClinVar:

NM_001035.3(RYR2):c.8299-151C>T

Gene: RYR2 (ryanodine receptor 2; plus strand). Cytogenetic location: 1q43.
Variant type: single nucleotide variant.
Coding change: c.8299-151C>T on transcript NM_001035.3 (MANE Select); 151 bases into the intron before coding-DNA position 8299, C replaced by T.
Molecular consequence: intron variant.
Genome position (GRCh38, 1-based): chr1:237,660,659, C>T. VCF-style: chr1-237660659-C-T. GRCh37 (hg19) VCF-style: chr1-237823959-C-T.
Identifiers: ClinVar variation 670946 (VCV000670946.1), dbSNP rs475234, ClinGen allele CA39805817.

ClinVar aggregate classification (germline): Benign (1 of 4 stars; one submission).

Allele frequency attached by ClinVar (database versions not stated): 1000 Genomes Project 0.99561; 1000 Genomes Project 30x 0.99578; TOPMed 0.99777; gnomAD 0.99788 and 0.99798; gnomAD exomes 0.99984.
gnomAD v4.1: 683,636 of 684,044 alleles (100%); highest among the groups gnomAD compares: East Asian, 100%; 341,616 homozygotes.

Submission:

GeneDx
Classification: Benign. Last evaluated: 2018-06-15. Review status: criteria provided, single submitter. Criteria: GeneDx Variant Classification (06012015). Collection method: clinical testing. Allele origin: germline. Affected: yes.
Comment: This variant is considered likely benign or benign based on one or more of the following criteria: it is a conservative change, it occurs at a poorly conserved position in the protein, it is predicted to be benign by multiple in silico algorithms, and/or has population frequency not consistent with disease.